The following is an entry in ClinVar:

NM_002700.3(POU4F3):c.230A>G (p.Asp77Gly)

Genes: POU4F3 (POU class 4 homeobox 3; plus strand), RBM27-POU4F3 (RBM27-POU4F3 readthrough; plus strand). Cytogenetic location: 5q32.
Variant type: single nucleotide variant.
Coding change: c.230A>G on transcript NM_002700.3 (MANE Select); coding-DNA position 230, A replaced by G.
Protein change: p.Asp77Gly; replaces aspartic acid 77 with glycine.
Molecular consequence: missense variant.
Genome position (GRCh38, 1-based): chr5:146,339,657, A>G. VCF-style: chr5-146339657-A-G. GRCh37 (hg19) VCF-style: chr5-145719220-A-G.
Other names: short protein forms D77G.
Identifiers: ClinVar variation 504671 (VCV000504671.20), dbSNP rs138310635, ClinGen allele CA3491074.

ClinVar aggregate classification (germline): Conflicting classifications of pathogenicity. Review status: criteria provided, conflicting classifications (1 of 4 stars). 5 submissions from 5 submitters: Uncertain significance (1); Likely benign (4). Last evaluated 2026-05-08.

Conditions:
POU4F3-related disorder. Also called: POU4F3-related condition.

Allele frequency attached by ClinVar (database versions not stated): gnomAD exomes 0.00004 and 0.00009; ExAC 0.00016; 1000 Genomes Project 0.00020; gnomAD 0.00038 and 0.00044; 1000 Genomes Project 30x 0.00047; TOPMed 0.00051; ESP Exome Variant Server 0.00108.
gnomAD v4.1: 123 of 1,614,134 alleles (0.0076%); highest among the groups gnomAD compares: African/African-American, 0.15%; no homozygotes.

Submissions (5):

PreventionGenetics, part of Exact Sciences
Classification: Likely benign for POU4F3-related condition. Last evaluated: 2026-05-08. Review status: criteria provided, single submitter. Criteria: ACMG Guidelines, 2015. Collection method: clinical testing. Allele origin: germline.
Comment: This variant is classified as likely benign based on ACMG/AMP sequence variant interpretation guidelines (Richards et al. 2015 PMID: 25741868, with internal and published modifications).

CeGaT Center for Human Genetics Tuebingen
Classification: Likely benign. Last evaluated: 2025-10-01. Review status: criteria provided, single submitter. Criteria: CeGaT Center For Human Genetics Tuebingen Variant Classification Criteria Version 2. Collection method: clinical testing. Allele origin: germline. Affected: yes. Observed: 1 variant allele.
Comment: POU4F3: BP5, BS1

Labcorp Genetics (formerly Invitae), Labcorp
Classification: Likely benign. Last evaluated: 2025-09-24. Review status: criteria provided, single submitter. Criteria: Invitae Variant Classification Sherloc (09022015). Collection method: clinical testing. Allele origin: germline.

GeneDx
Classification: Likely benign. Last evaluated: 2020-11-09. Review status: criteria provided, single submitter. Criteria: GeneDx Variant Classification Process June 2021. Collection method: clinical testing. Allele origin: germline. Affected: yes.

Laboratory for Molecular Medicine, Mass General Brigham Personalized Medicine
Classification: Uncertain significance. Last evaluated: 2017-04-25. Review status: criteria provided, single submitter. Criteria: LMM Criteria. Collection method: clinical testing. Allele origin: germline. Observed: 1 variant allele.
Comment: Variant classified as Uncertain Significance - Favor Benign. The p.Asp77Gly vari ant in POU4F3 has not been previously reported in individuals with hearing loss, but has been identified in 0.1% (27/24020) of African chromosomes by the Genome Aggregation Database (gnomAD; dbSNP rs1383106 35). Although this variant has been seen in the general population, its frequenc y is not high enough to rule out a pathogenic role. Computational prediction too ls and conservation analyses suggest that this variant may impact the protein, t hough this information is not predictive enough to determine pathogenicity. In s ummary, although the clinical significance of this variant is uncertain, the fre quency data suggest a more likely benign role.